The following is an entry in ClinVar:

ClinVar aggregate classification (germline): Uncertain significance (1 of 4 stars; one submission).

gnomAD v4.1: 6 of 1,613,590 alleles (0.00037%); highest among the groups gnomAD compares: African/African-American, 0.008%; no homozygotes.

Submission:

Mayo Clinic Laboratories, Mayo Clinic
Classification: Uncertain significance. Last evaluated: 2025-10-18. Review status: criteria provided, single submitter. Criteria: ACMG Guidelines, 2015. Collection method: clinical testing. Allele origin: germline. Observed: 1 variant allele.
Comment: BP4_moderate

NM_001267550.2(TTN):c.90822G>T (p.Met30274Ile)

Genes: TTN (titin; minus strand), TTN-AS1 (TTN antisense RNA 1; plus strand). Cytogenetic location: 2q31.2.
Variant type: single nucleotide variant.
Coding change: c.90822G>T on transcript NM_001267550.2 (MANE Select); coding-DNA position 90822, G replaced by T.
Protein change: p.Met30274Ile; replaces methionine 30274 with isoleucine.
Molecular consequence: missense variant.
Genome position (GRCh38, 1-based): chr2:178,552,078, C>A on the plus strand (G>T on the coding strand, the complement: TTN is on the minus strand). VCF-style: chr2-178552078-C-A. GRCh37 (hg19) VCF-style: chr2-179416805-C-A.
Other names: p.Met27706Ile; c.85899G>T, p.Met28633Ile (NM_001256850.1); c.63627G>T, p.Met21209Ile (NM_003319.4); c.83118G>T, p.Met27706Ile (NM_133378.4); c.64002G>T, p.Met21334Ile (NM_133432.3); c.64203G>T, p.Met21401Ile (NM_133437.4); short protein forms M21209I, M27706I, M21334I, M30274I, M28633I, M21401I.
Identifiers: ClinVar variation 4540706 (VCV004540706.1).